The following is an entry in ClinVar:

ClinVar aggregate classification (germline): Uncertain significance (1 of 4 stars; one submission).

Allele frequency attached by ClinVar (database versions not stated): gnomAD exomes below 0.00001 and 0.00001; ExAC 0.00001; gnomAD 0.00001; 1000 Genomes Project 30x 0.00016; 1000 Genomes Project 0.00020.
gnomAD v4.1: 3 of 1,612,870 alleles (0.00019%); highest among the groups gnomAD compares: East Asian, 0.0022%; no homozygotes.

Submission:

Labcorp Genetics (formerly Invitae), Labcorp
Classification: Uncertain significance. Last evaluated: 2022-08-23. Review status: criteria provided, single submitter. Criteria: Invitae Variant Classification Sherloc (09022015). Collection method: clinical testing. Allele origin: germline.
Comment: This sequence change replaces threonine, which is neutral and polar, with isoleucine, which is neutral and non-polar, at codon 169 of the RPS6KC1 protein (p.Thr169Ile). In summary, the available evidence is currently insufficient to determine the role of this variant in disease. Therefore, it has been classified as a Variant of Uncertain Significance. Algorithms developed to predict the effect of missense changes on protein structure and function are either unavailable or do not agree on the potential impact of this missense change (SIFT: "Deleterious"; PolyPhen-2: "Probably Damaging"; Align-GVGD: "Class C0"). ClinVar contains an entry for this variant (Variation ID: 1474073). This variant has not been reported in the literature in individuals affected with RPS6KC1-related conditions. This variant is present in population databases (rs535231866, gnomAD 0.006%).

NM_012424.6(RPS6KC1):c.506C>T (p.Thr169Ile)

Gene: RPS6KC1 (ribosomal protein S6 kinase C1; plus strand). Cytogenetic location: 1q32.3.
Variant type: single nucleotide variant.
Coding change: c.506C>T on transcript NM_012424.6 (MANE Select); coding-DNA position 506, C replaced by T.
Protein change: p.Thr169Ile; replaces threonine 169 with isoleucine.
Molecular consequence: missense variant. On other transcripts: 5 prime UTR variant (23), non-coding transcript variant (3), intron variant (5).
Genome position (GRCh38, 1-based): chr1:213,129,560, C>T. VCF-style: chr1-213129560-C-T. GRCh37 (hg19) VCF-style: chr1-213302903-C-T.
Other names: c.470C>T, p.Thr157Ile (NM_001136138.4); c.-38C>T (NM_001287218.3, NM_001287219.3, NM_001287221.3 and 7 more transcripts); c.-709C>T (NM_001287220.3, NM_001349666.2, NM_001349667.2 and 4 more transcripts); c.506C>T, p.Thr169Ile (NM_001349646.2); c.-782C>T (NM_001349659.2); c.-702C>T (NM_001349660.2, NM_001349661.2, NM_001349662.2); c.-616C>T (NM_001349664.2, NM_001349670.2); c.-57+12150C>T (NM_001349658.2); and 4 more; short protein forms T157I, T169I.
Identifiers: ClinVar variation 1474073 (VCV001474073.6), dbSNP rs535231866, ClinGen allele CA1387199.